The following is an entry in ClinVar:

NM_170707.4(LMNA):c.345_351delinsACTCACCTGG (p.Lys117delinsThrTrp)

Gene: LMNA (lamin A/C; plus strand). Cytogenetic location: 1q22.
Variant type: Indel.
Coding change: c.345_351delinsACTCACCTGG on transcript NM_170707.4 (MANE Select); coding-DNA positions 345 to 351, GCTGAAA replaced by ACTCACCTGG.
Protein change: p.Lys117delinsThrTrp.
Molecular consequence: inframe indel. On other transcripts: 5 prime UTR variant (8), intron variant (2).
Genome position (GRCh38, 1-based): chr1:156,115,263-156,115,269, GCTGAAA replaced by ACTCACCTGG. VCF-style: chr1-156115263-GCTGAAA-ACTCACCTGG. GRCh37 (hg19) VCF-style: chr1-156085054-GCTGAAA-ACTCACCTGG.
Other names: c.345_351delinsACTCACCTGG, p.Lys117delinsThrTrp (NM_001282625.2, NM_001282626.2, NM_001406983.1 and 6 more transcripts); c.-79_-73delinsACTCACCTGG (NM_001406986.1); c.-57_-51delinsACTCACCTGG (NM_001406990.1, NM_001406995.1, NM_001407002.1); c.-320_-314delinsACTCACCTGG (NM_001406994.1, NM_001407000.1); c.-500_-494delinsACTCACCTGG (NM_001406999.1); c.-163_-157delinsACTCACCTGG (NM_001407001.1); c.-203+8440_-203+8446delinsACTCACCTGG (NM_001406993.1, NM_001407003.1).
Identifiers: ClinVar variation 4875461 (VCV004875461.2).

ClinVar aggregate classification (germline): Uncertain significance (1 of 4 stars; one submission).

Submission:

CeGaT Center for Human Genetics Tuebingen
Classification: Uncertain significance. Last evaluated: 2026-04-01. Review status: criteria provided, single submitter. Criteria: CeGaT Center For Human Genetics Tuebingen Variant Classification Criteria Version 2. Collection method: clinical testing. Allele origin: germline. Affected: yes. Observed: 1 variant allele.
Comment: LMNA: PM1, PM2, PM4:Supporting